The following is an entry in ClinVar:

ClinVar aggregate classification (germline): Pathogenic (1 of 4 stars; one submission).

Conditions:
Fabry disease. Also called: ALPHA-GALACTOSIDASE A DEFICIENCY; ANDERSON-FABRY DISEASE; CERAMIDE TRIHEXOSIDASE DEFICIENCY; GLA DEFICIENCY; HEREDITARY DYSTOPIC LIPIDOSIS; Angiokeratoma corporis diffusum. Identifiers: Orphanet 324, MedGen C0002986, MONDO:0010526, OMIM 301500, HP:0001071. Disease mechanism: Fabry disease is due to inactivating mutations in the X-linked GLA gene resulting in deficiency of the enzyme Alpha Galactosidase-A., loss of function.

Submission:

Genomenon, Inc
Classification: Pathogenic for Fabry disease. Last evaluated: 2026-09-08. Review status: criteria provided, single submitter. Criteria: Genomenon Sequence Variant Interpretation Standards - Updated. Collection method: curation. Allele origin: germline. Affected: no.
Comment: GLA p.Cys63Ser (c.188G>C) is a missense variant that changes the amino acid at codon 63 from Cysteine to Serine. To our knowledge, this variant has not been reported in patients affected with Fabry disease in the published literature. At least one functional study has demonstrated a substantial alteration in protein function relative to the wild-type (PMID:27657681;26044846). This variant is located in a mutational hotspot and/or important functional domain. It is absent or not present at a significant frequency in gnomAD. In silico models predict that this variant is possibly or probably damaging. Another cDNA change that causes the same protein consequence has been determined to be pathogenic. In conclusion, we classify GLA p.Cys63Ser (c.188G>C) as a pathogenic variant.

Literature cited by the submitters: PubMed 27657681; PubMed 26044846.

NM_000169.3(GLA):c.188G>C (p.Cys63Ser)

Genes: GLA (galactosidase alpha; minus strand), RPL36A-HNRNPH2 (RPL36A-HNRNPH2 readthrough; plus strand). Cytogenetic location: Xq22.1.
Variant type: single nucleotide variant.
Coding change: c.188G>C on transcript NM_000169.3 (MANE Select); coding-DNA position 188, G replaced by C.
Protein change: p.Cys63Ser; replaces cysteine 63 with serine.
Molecular consequence: missense variant. On other transcripts: non-coding transcript variant (3), intron variant (2).
Genome position (GRCh38, 1-based): chrX:101,407,716, C>G on the plus strand (G>C on the coding strand, the complement: GLA is on the minus strand). VCF-style: chrX-101407716-C-G. GRCh37 (hg19) VCF-style: chrX-100662704-C-G.
Other names: c.188G>C, p.Cys63Ser (NM_001406747.1, NM_001406748.1, NM_001406749.1); c.301-4220C>G (NM_001199973.2); c.178-4220C>G (NM_001199974.2); short protein forms C63S.
Identifiers: ClinVar variation 4087296 (VCV004087296.2).
Genomic context (GRCh38, chrX:101,407,716, plus strand): 5'-ACACACCCAAACACATGGAAAAGCAAAGGGAAGGGAGTACCCAATATCTGATACCTGATG[C>G]AGGAATCTGGCTCTTCCTGGCAGTCAAGGTTGCACATGAAGCGCTCCCAGTGCAGCCAGC-3'
Protein context (NP_000160.1, residues 53-73): NLDCQEEPDS[Cys63Ser]ISEKLFMEMA